The following is an entry in ClinVar:

NM_007294.4(BRCA1):c.2996T>A (p.Leu999Gln)

Gene: BRCA1 (BRCA1 DNA repair associated; minus strand). Cytogenetic location: 17q21.31.
Variant type: single nucleotide variant.
Coding change: c.2996T>A on transcript NM_007294.4 (MANE Select); coding-DNA position 2996, T replaced by A.
Protein change: p.Leu999Gln; replaces leucine 999 with glutamine.
Molecular consequence: missense variant. On other transcripts: intron variant (137).
Genome position (GRCh38, 1-based): chr17:43,092,535, A>T on the plus strand (T>A on the coding strand, the complement: BRCA1 is on the minus strand). VCF-style: chr17-43092535-A-T. GRCh37 (hg19) VCF-style: chr17-41244552-A-T.
Other names: c.2852T>A, p.Leu951Gln (NM_001407849.1, NM_001407943.1, NM_001407964.1 and 20 more transcripts); c.2855T>A, p.Leu952Gln (NM_001407850.1, NM_001407851.1, NM_001407852.1 and 29 more transcripts); c.2783T>A, p.Leu928Gln (NM_001407853.1, NM_001407894.1, NM_001407895.1 and 9 more transcripts); c.2996T>A, p.Leu999Gln (NM_001407854.1, NM_001407858.1, NM_001407859.1 and 30 more transcripts); c.2993T>A, p.Leu998Gln (NM_001407860.1, NM_001407637.1, NM_001407638.1 and 22 more transcripts); c.2786T>A, p.Leu929Gln (NM_001407886.1, NM_001407887.1, NM_001407889.1 and 13 more transcripts); c.2873T>A, p.Leu958Gln (NM_001407919.1, NM_001407937.1, NM_001407938.1 and 19 more transcripts); c.2732T>A, p.Leu911Gln (NM_001407920.1, NM_001407921.1, NM_001407922.1 and 9 more transcripts); and 41 more; short protein forms L703Q, L831Q, L871Q, L872Q, L887Q, L888Q, L910Q, L911Q.
Identifiers: ClinVar variation 3072366 (VCV003072366.1), dbSNP rs876659514, ClinGen allele CA10596006.
Genomic context (GRCh38, chr17:43,092,535, plus strand): 5'-ATGTTCTCATTTCCCATTTCTCTTTCAGGTGACATTGAATGTTCCTCAAAGTTTTCCTCT[A>T]GCAGATTTTTCTTACATTTAGTTTTAACAAATGACTTGATGGGAAAAAGTGGTGGTATAC-3'
Protein context (NP_009225.1, residues 989-1009): FVKTKCKKNL[Leu999Gln]EENFEEHSMS

ClinVar aggregate classification (germline): Uncertain significance (1 of 4 stars; one submission).

Conditions:
Breast-ovarian cancer, familial, susceptibility to, 1 (BROVCA1). Also called: BRCA1 Hereditary Breast and Ovarian Cancer; OVARIAN CANCER, SUSCEPTIBILITY TO. Identifiers: Orphanet 145, MedGen C2676676, MONDO:0011450, OMIM 604370. Disease mechanism: loss of function.

Submission:

All of Us Research Program, National Institutes of Health
Classification: Uncertain significance for Breast-ovarian cancer, familial, susceptibility to, 1. Last evaluated: 2023-07-10. Review status: criteria provided, single submitter. Criteria: ACMG Guidelines, 2015. Collection method: clinical testing. Allele origin: germline. Inheritance: Autosomal dominant inheritance. Observed: 1 variant allele, 1 heterozygote.
Comment: This missense variant replaces leucine with glutamine at codon 999 of the BRCA1 protein. Computational prediction suggests that this variant may not impact protein structure and function (internally defined REVEL score threshold <= 0.5, PMID: 27666373). To our knowledge, functional studies have not been reported for this variant. This variant has not been reported in individuals affected with BRCA1-related disorders in the literature. This variant has not been identified in the general population by the Genome Aggregation Database (gnomAD). The available evidence is insufficient to determine the role of this variant in disease conclusively. Therefore, this variant is classified as a Variant of Uncertain Significance.

This study involves interpretation of variants in research participants for the purpose of population health screening. Participant phenotype was not available at the time of variant classification. Additional details can be found in publication PMID: 35346344, PMCID: PMC8962531